The following is an entry in ClinVar:

ClinVar aggregate classification (germline): Uncertain significance (1 of 4 stars; one submission).

Submission:

Labcorp Genetics (formerly Invitae), Labcorp
Classification: Uncertain significance. Last evaluated: 2022-06-22. Review status: criteria provided, single submitter. Criteria: Invitae Variant Classification Sherloc (09022015). Collection method: clinical testing. Allele origin: germline.
Comment: Algorithms developed to predict the effect of missense changes on protein structure and function (SIFT, PolyPhen-2, Align-GVGD) all suggest that this variant is likely to be disruptive. This variant has not been reported in the literature in individuals affected with PRDM13-related conditions. This variant is not present in population databases (gnomAD no frequency). This sequence change replaces glutamic acid, which is acidic and polar, with glycine, which is neutral and non-polar, at codon 230 of the PRDM13 protein (p.Glu230Gly). In summary, the available evidence is currently insufficient to determine the role of this variant in disease. Therefore, it has been classified as a Variant of Uncertain Significance.

NM_021620.4(PRDM13):c.689A>G (p.Glu230Gly)

Gene: PRDM13 (PR/SET domain 13; plus strand). Cytogenetic location: 6q16.2.
Variant type: single nucleotide variant.
Coding change: c.689A>G on transcript NM_021620.4 (MANE Select); coding-DNA position 689, A replaced by G.
Protein change: p.Glu230Gly; replaces glutamic acid 230 with glycine.
Molecular consequence: missense variant.
Genome position (GRCh38, 1-based): chr6:99,613,324, A>G. VCF-style: chr6-99613324-A-G. GRCh37 (hg19) VCF-style: chr6-100061200-A-G.
Other names: short protein forms E230G.
Identifiers: ClinVar variation 2009139 (VCV002009139.4), dbSNP rs2538544944, ClinGen allele CA365115940.